The following is an entry in ClinVar:

ClinVar aggregate classification (germline): Conflicting classifications of pathogenicity. Review status: criteria provided, conflicting classifications (1 of 4 stars). 17 submissions from 17 submitters: Uncertain significance (1); Likely benign (12). 4 of the submissions do not count toward it. Last evaluated 2026-02-01.

Conditions:
APC-related disorder. Also called: APC-related condition.
APC-Associated Polyposis Disorders.
Hereditary cancer-predisposing syndrome. Also called: Neoplastic Syndromes, Hereditary; Tumor predisposition; Hereditary Cancer Syndrome; Hereditary neoplastic syndrome. Identifiers: Orphanet 140162, MedGen C0027672, MeSH D009386, MONDO:0015356.
Familial adenomatous polyposis 1 (FAP1). Also called: FAMILIAL ADENOMATOUS POLYPOSIS 1, ATTENUATED; POLYPOSIS, ADENOMATOUS INTESTINAL. Identifiers: MedGen C2713442, MONDO:0021056, OMIM 175100. Disease mechanism: loss of function.
Carcinoma of colon (CRC). Also called: Colon carcinoma; Colonic carcinoma. Identifiers: MedGen C0699790, MONDO:0002032.

Allele frequency attached by ClinVar (database versions not stated): gnomAD 0.00001 and 0.00002; gnomAD exomes 0.00006; ExAC 0.00007; TOPMed 0.00007; 1000 Genomes Project 30x 0.00016; 1000 Genomes Project 0.00020.

Submissions (17):

Labcorp Genetics (formerly Invitae), Labcorp
Classification: Likely benign for Familial adenomatous polyposis 1. Last evaluated: 2026-02-01. Review status: criteria provided, single submitter. Criteria: Invitae Variant Classification Sherloc (09022015). Collection method: clinical testing. Allele origin: germline.

Women's Health and Genetics/Laboratory Corporation of America, LabCorp
Classification: Likely benign. Last evaluated: 2025-12-08. Review status: criteria provided, single submitter. Criteria: LabCorp Variant Classification Summary - May 2015. Collection method: clinical testing. Allele origin: germline.
Comment: Variant summary: APC c.3378C>G (p.Ser1126Arg) results in a non-conservative amino acid change in the encoded protein sequence. Algorithms developed to predict the effect of missense changes on protein structure and function are either unavailable or do not agree on the potential impact of this missense change. The variant allele was found at a frequency of 6e-05 in 250636 control chromosomes, predominantly at a frequency of 0.00076 within the East Asian subpopulation in the gnomAD database. The observed variant frequency within East Asian control individuals in the gnomAD database exceeds the estimated maximal expected allele frequency for disease-causing variants in APC. c.3378C>G has been observed in individual(s) affected with colorectal cancer, as well as controls (e.g. Fujita_2022). These report(s) do not provide unequivocal conclusions about association of the variant with Familial Adenomatous Polyposis. To our knowledge, no experimental evidence demonstrating an impact on protein function has been reported. The following publication has been ascertained in the context of this evaluation (PMID: 33309985). ClinVar contains an entry for this variant (Variation ID: 127288). Based on the evidence outlined above, the variant was classified as likely benign.

PreventionGenetics, part of Exact Sciences
Classification: Likely benign for APC-related condition. Last evaluated: 2025-08-05. Review status: criteria provided, single submitter. Criteria: ACMG Guidelines, 2015. Collection method: clinical testing. Allele origin: germline.
Comment: This variant is classified as likely benign based on ACMG/AMP sequence variant interpretation guidelines (Richards et al. 2015 PMID: 25741868, with internal and published modifications).

Quest Diagnostics Nichols Institute San Juan Capistrano
Classification: Likely benign. Last evaluated: 2025-03-15. Review status: criteria provided, single submitter. Criteria: Quest Diagnostics criteria. Collection method: clinical testing. Allele origin: unknown.

Center for Genomic Medicine, Rigshospitalet, Copenhagen University Hospital
Classification: Likely benign. Last evaluated: 2025-03-04. Review status: criteria provided, single submitter. Criteria: ACMG Guidelines, 2015. Collection method: clinical testing. Allele origin: germline.

Blueprint Genetics
Classification: Likely benign. Last evaluated: 2024-10-28. Review status: criteria provided, single submitter. Criteria: ACMG Guidelines, 2015. Collection method: clinical testing. Allele origin: germline.

Revvity Omics, Revvity
Classification: Uncertain significance. Last evaluated: 2023-06-07. Review status: criteria provided, single submitter. Criteria: ACMG Guidelines, 2015. Collection method: clinical testing. Allele origin: germline.

Myriad Genetics, Inc.
Classification: Likely benign for Familial adenomatous polyposis 1. Last evaluated: 2023-02-22. Review status: criteria provided, single submitter. Criteria: Myriad Autosomal Dominant, Autosomal Recessive and X-Linked Classification Criteria (2023). Collection method: clinical testing. Allele origin: unknown.
Comment: This variant is considered likely benign. This variant has been observed at a population frequency that is significantly greater than expected given the associated disease prevalence and penetrance.

Sema4
Classification: Likely benign for Hereditary cancer-predisposing syndrome. Last evaluated: 2020-11-05. Review status: criteria provided, single submitter. Criteria: Sema4 Curation Guidelines. Collection method: curation. Allele origin: germline.

Color Diagnostics, LLC DBA Color Health
Classification: Likely benign for Hereditary cancer-predisposing syndrome. Last evaluated: 2020-01-15. Review status: criteria provided, single submitter. Criteria: ACMG Guidelines, 2015. Collection method: clinical testing. Allele origin: germline.

Ambry Genetics
Classification: Likely benign for Hereditary cancer-predisposing syndrome. Last evaluated: 2018-09-10. Review status: criteria provided, single submitter. Criteria: Ambry Variant Classification Scheme 2023. Collection method: clinical testing. Allele origin: germline.

GeneDx
Classification: Likely benign. Last evaluated: 2017-12-01. Review status: criteria provided, single submitter. Criteria: GeneDx Variant Classification (06012015). Collection method: clinical testing. Allele origin: germline. Affected: yes.
Comment: This variant is considered likely benign or benign based on one or more of the following criteria: it is a conservative change, it occurs at a poorly conserved position in the protein, it is predicted to be benign by multiple in silico algorithms, and/or has population frequency not consistent with disease.

Illumina Laboratory Services, Illumina
Classification: Likely benign for APC-Associated Polyposis Disorders. Last evaluated: 2017-04-28. Review status: criteria provided, single submitter. Criteria: ICSL Variant Classification Criteria 13 December 2019. Collection method: clinical testing. Allele origin: germline.
Comment: This variant was observed as part of a predisposition screen in an ostensibly healthy population. A literature search was performed for the gene, cDNA change, and amino acid change (where applicable). Publications were found based on this search. The evidence from the literature, in combination with allele frequency data from public databases where available, was sufficient to determine this variant is unlikely to cause disease. Therefore, this variant is classified as likely benign.

3DMed Clinical Laboratory Inc
Classification: Uncertain significance for Carcinoma of colon. Last evaluated: 2018-01-29. Review status: no assertion criteria provided. Criteria: ACMG Guidelines, 2015. Collection method: clinical testing. Allele origin: germline. Affected: yes. Not counted in ClinVar's aggregate classification.

Counsyl
Classification: Uncertain significance for Familial adenomatous polyposis 1. Last evaluated: 2015-12-04. Review status: no assertion criteria provided. Collection method: clinical testing. Allele origin: unknown. Not counted in ClinVar's aggregate classification.

ITMI
No classification provided. Condition: AllHighlyPenetrant. Last evaluated: 2013-09-19. Review status: no classification provided. Collection method: reference population. Allele origin: germline. Not counted in ClinVar's aggregate classification.
Comment: Please see associated publication for description of ethnicities

Department of Pathology and Laboratory Medicine, Sinai Health System
Classification: Likely benign for Carcinoma of colon. Review status: no assertion criteria provided. Collection method: clinical testing. Allele origin: unknown. Affected: yes. Observed: 2 variant alleles. Study: The Canadian Open Genetics Repository (COGR). Not counted in ClinVar's aggregate classification.
Comment: The APC, c.3378C>G, p.Ser1126Arg variant has been observed in the literature in 1 of 148 control chromosomes in individuals increasing the likelihood this variant does not have clinical significance. It was not, however, detected in any of the 160 proband chromosomes of individuals with sporadic colorectal carcinoma (Chen_2006_16569251). It was listed in dbSNP (ID: rs149353082) and reported from 1000 genomes with a frequency of 0.001, although only 1 chromosomes was found with this variant. It was not found in the UMD or LOVD databases. It was mentioned in Clinvar (1x by GeneDx with uncertain significance). This residue is not conserved in mammals and computational analyses (PolyPhen, SIFT, AlignGVGD) do not suggest a high likelihood of impact to the protein. Furthermore, this variant does not occur in any known important protein domain. However, this information is not predictive enough to rule out pathogenicity. In summary, based on the above information, and since there were fewer than 5 chromosomes identified with this variant in this analysis, the clinical significance of this variant cannot be determined with certainty although we would lean towards a more benign role, this variant is predicted benign.

Literature cited by the submitters: PubMed 33309985 (cited by Women's Health and Genetics/Laboratory Corporation of America, LabCorp and Quest Diagnostics Nichols Institute San Juan Capistrano); PubMed 19768578 (cited by 4 submitters); PubMed 16569251 (cited by 4 submitters); PubMed 24728327 (cited by 5 submitters); PubMed 26332594 (cited by 3 submitters); PubMed 26625971 (cited by 3 submitters); PubMed 36243179 (cited by Quest Diagnostics Nichols Institute San Juan Capistrano).

NM_000038.6(APC):c.3378C>G (p.Ser1126Arg)

Gene: APC (APC regulator of Wnt signaling pathway; plus strand). Cytogenetic location: 5q22.2.
Variant type: single nucleotide variant.
Coding change: c.3378C>G on transcript NM_000038.6 (MANE Select); coding-DNA position 3378, C replaced by G.
Protein change: p.Ser1126Arg; replaces serine 1126 with arginine.
Molecular consequence: missense variant.
Genome position (GRCh38, 1-based): chr5:112,838,972, C>G. VCF-style: chr5-112838972-C-G. GRCh37 (hg19) VCF-style: chr5-112174669-C-G.
Other names: p.S1126R:AGC>AGG; c.3378C>G, p.Ser1126Arg (NM_001127510.3, NM_001354895.2); c.3324C>G, p.Ser1108Arg (NM_001127511.3); c.3432C>G, p.Ser1144Arg (NM_001354896.2); c.3408C>G, p.Ser1136Arg (NM_001354897.2); c.3303C>G, p.Ser1101Arg (NM_001354898.2); c.3294C>G, p.Ser1098Arg (NM_001354899.2); c.3255C>G, p.Ser1085Arg (NM_001354900.2); and 6 more; short protein forms S1126R, S1108R, S1067R, S843R, S1025R, S1085R, S1000R, S1035R.
Identifiers: ClinVar variation 127288 (VCV000127288.40), dbSNP rs149353082, ClinGen allele CA008342.